The following is an entry in ClinVar:

NM_022772.4(EPS8L2):c.7C>A (p.Gln3Lys)

Gene: EPS8L2 (EPS8 signaling adaptor L2; plus strand). Cytogenetic location: 11p15.5.
Variant type: single nucleotide variant.
Coding change: c.7C>A on transcript NM_022772.4 (MANE Select); coding-DNA position 7, C replaced by A.
Protein change: p.Gln3Lys; replaces glutamine 3 with lysine.
Molecular consequence: missense variant.
Genome position (GRCh38, 1-based): chr11:709,414, C>A. VCF-style: chr11-709414-C-A. GRCh37 (hg19) VCF-style: chr11-709414-C-A.
Other names: c.7C>A (NM_022772.3); short protein forms Q3K.
Identifiers: ClinVar variation 2064925 (VCV002064925.5), dbSNP rs202247217, ClinGen allele CA5786954.
Genomic context (GRCh38, chr11:709,414, plus strand): 5'-ACCGGGGCCACACTGAGGTCTGCCCTTCTCCCGCTGGCCGCCACCCAAGACACCATGAGC[C>A]AGTCCGGGGCCGTGAGCTGCTGCCCGGGTGCCACCAAGTGAGCCCTCCCACCCATCCCGA-3'
Protein context (NP_073609.2, residues 1-13): MS[Gln3Lys]SGAVSCCPGA

ClinVar aggregate classification (germline): Uncertain significance. Review status: criteria provided, multiple submitters, no conflicts (2 of 4 stars). 3 submissions from 3 submitters: Uncertain significance (3). Last evaluated 2026-07-07.

Conditions:
EPS8L2-related disorder. Also called: EPS8L2-related condition.

Allele frequency attached by ClinVar (database versions not stated): TOPMed 0.00036; ESP Exome Variant Server 0.00039.
gnomAD v4.1: 743 of 1,588,818 alleles (0.047%); highest among the groups gnomAD compares: Non-Finnish European, 0.059%; no homozygotes.

Submissions (3):

PreventionGenetics, part of Exact Sciences
Classification: Uncertain significance for EPS8L2-related condition. Last evaluated: 2026-07-07. Review status: criteria provided, single submitter. Criteria: ACMG Guidelines, 2015. Collection method: clinical testing. Allele origin: germline.
Comment: The EPS8L2 c.7C>A variant is predicted to result in the amino acid substitution p.Gln3Lys. To our knowledge, this variant has not been reported in the literature. This variant is reported in 0.045% of alleles in individuals of European (Non-Finnish) descent in gnomAD. At this time, the clinical significance of this variant is uncertain due to the absence of conclusive functional and genetic evidence.

Ambry Genetics
Classification: Uncertain significance. Last evaluated: 2024-06-17. Review status: criteria provided, single submitter. Criteria: Ambry Variant Classification Scheme 2023. Collection method: clinical testing. Allele origin: germline.

Labcorp Genetics (formerly Invitae), Labcorp
Classification: Uncertain significance. Last evaluated: 2023-04-27. Review status: criteria provided, single submitter. Criteria: Invitae Variant Classification Sherloc (09022015). Collection method: clinical testing. Allele origin: germline.
Comment: This sequence change replaces glutamine, which is neutral and polar, with lysine, which is basic and polar, at codon 3 of the EPS8L2 protein (p.Gln3Lys). In summary, the available evidence is currently insufficient to determine the role of this variant in disease. Therefore, it has been classified as a Variant of Uncertain Significance. An algorithm developed to predict the effect of missense changes on protein structure and function (PolyPhen-2) suggests that this variant¬† is likely to be tolerated. ClinVar contains an entry for this variant (Variation ID: 2064925). This variant has not been reported in the literature in individuals affected with EPS8L2-related conditions. This variant is present in population databases (rs202247217, gnomAD 0.05%).